The following is an entry in ClinVar:

ClinVar aggregate classification (germline): Pathogenic (1 of 4 stars; one submission).

Conditions:
Deficiency of aromatic-L-amino-acid decarboxylase. Also called: Aromatic amino acid decarboxylase deficiency; AADC DEFICIENCY; DDC DEFICIENCY; DOPA DECARBOXYLASE DEFICIENCY; Aromatic L-Amino Acid Decarboxylase Deficiency. Identifiers: Orphanet 35708, MedGen C1291564, MONDO:0012084, OMIM 608643.

Submission:

Labcorp Genetics (formerly Invitae), Labcorp
Classification: Pathogenic for Deficiency of aromatic-L-amino-acid decarboxylase. Last evaluated: 2026-01-07. Review status: criteria provided, single submitter. Criteria: Invitae Variant Classification Sherloc (09022015). Collection method: clinical testing. Allele origin: germline.
Comment: This sequence change creates a premature translational stop signal (p.Pro81Hisfs*54) in the DDC gene. It is expected to result in an absent or disrupted protein product. Loss-of-function variants in DDC are known to be pathogenic (PMID: 15079002, 24788355). This variant is present in population databases (rs746351814, gnomAD 0.0009%). This variant has not been reported in the literature in individuals affected with DDC-related conditions. For these reasons, this variant has been classified as Pathogenic.

Literature cited by the submitters: PubMed 15079002; PubMed 24788355.

NM_001082971.2(DDC):c.242_243del (p.Pro81fs)

Genes: DDC (dopa decarboxylase; minus strand), DDC-AS1 (DDC antisense RNA 1; plus strand). Cytogenetic location: 7p12.1.
Variant type: Deletion.
Coding change: c.242_243del on transcript NM_001082971.2 (MANE Select); coding-DNA positions 242 to 243, 2 bases deleted (CC; older notation c.242_243delCC).
Protein change: p.Pro81fs; shifts the reading frame from proline 81.
Molecular consequence: frameshift variant. On other transcripts: non-coding transcript variant (1), intron variant (2).
Genome position (GRCh38, 1-based): chr7:50,539,987-50,539,988, GG deleted on the plus strand (CC on the coding strand, the reverse complement: DDC is on the minus strand); deleting any 2 consecutive bases within chr7:50,539,987-50,539,990 gives the same sequence; the c. name uses the placement nearest the transcript's 3' end. VCF-style (leftmost placement, unchanged base first): chr7-50539986-TGG-T. GRCh37 (hg19) VCF-style: chr7-50607684-TGG-T.
Other names: c.242_243del, p.Pro81fs (NM_000790.4, NM_001242887.2, NM_001242889.2 and 1 more transcripts); c.201+3897_201+3898del (NM_001242888.2); c.202-2009_202-2008del (NM_001242886.2); short protein forms P81fs.
Identifiers: ClinVar variation 4724459 (VCV004724459.1).